The following is an entry in ClinVar:

NM_000350.3(ABCA4):c.1087G>A (p.Asp363Asn)

Gene: ABCA4 (ATP binding cassette subfamily A member 4; minus strand). Cytogenetic location: 1p22.1.
Variant type: single nucleotide variant.
Coding change: c.1087G>A on transcript NM_000350.3 (MANE Select); coding-DNA position 1087, G replaced by A.
Protein change: p.Asp363Asn; replaces aspartic acid 363 with asparagine.
Molecular consequence: missense variant.
Genome position (GRCh38, 1-based): chr1:94,080,490, C>T on the plus strand (G>A on the coding strand, the complement: ABCA4 is on the minus strand). VCF-style: chr1-94080490-C-T. GRCh37 (hg19) VCF-style: chr1-94546046-C-T.
Other names: c.1087G>A, p.Asp363Asn (NM_001425324.1); short protein forms D363N.
Identifiers: ClinVar variation 1035785 (VCV001035785.8), dbSNP rs1661659757, ClinGen allele CA341283754.

ClinVar aggregate classification (germline): Uncertain significance (1 of 4 stars; one submission).

Submission:

Labcorp Genetics (formerly Invitae), Labcorp
Classification: Uncertain significance. Last evaluated: 2024-05-22. Review status: criteria provided, single submitter. Criteria: Invitae Variant Classification Sherloc (09022015). Collection method: clinical testing. Allele origin: germline.
Comment: This sequence change replaces aspartic acid, which is acidic and polar, with asparagine, which is neutral and polar, at codon 363 of the ABCA4 protein (p.Asp363Asn). This variant is not present in population databases (gnomAD no frequency). This variant has not been reported in the literature in individuals affected with ABCA4-related conditions. ClinVar contains an entry for this variant (Variation ID: 1035785). Advanced modeling of protein sequence and biophysical properties (such as structural, functional, and spatial information, amino acid conservation, physicochemical variation, residue mobility, and thermodynamic stability) performed at Invitae indicates that this missense variant is expected to disrupt ABCA4 protein function with a positive predictive value of 95%. In summary, the available evidence is currently insufficient to determine the role of this variant in disease. Therefore, it has been classified as a Variant of Uncertain Significance.